The following is an entry in ClinVar:

NM_001122769.3(LCA5):c.1445G>A (p.Arg482Gln)

Gene: LCA5 (lebercilin LCA5; minus strand). Cytogenetic location: 6q14.1.
Variant type: single nucleotide variant.
Coding change: c.1445G>A on transcript NM_001122769.3 (MANE Select); coding-DNA position 1445, G replaced by A.
Protein change: p.Arg482Gln; replaces arginine 482 with glutamine.
Molecular consequence: missense variant.
Genome position (GRCh38, 1-based): chr6:79,487,653, C>T on the plus strand (G>A on the coding strand, the complement: LCA5 is on the minus strand). VCF-style: chr6-79487653-C-T. GRCh37 (hg19) VCF-style: chr6-80197370-C-T.
Other names: c.1445G>A, p.Arg482Gln (NM_181714.4); short protein forms R482Q.
Identifiers: ClinVar variation 2198441 (VCV002198441.2), dbSNP rs1319010087, ClinGen allele CA364640791.
Genomic context (GRCh38, chr6:79,487,653, plus strand): 5'-GGGGAGTGTAGTTTTGATTCAAAATCAGGTAACAATGGCAAAACAGGGTATTTTAGATTT[C>T]GAGAATCTTGGAGTTCTCTGTCAATTTCATTCAGTTTAGCAAGTAGCATTTCTCTCTTCA-3'
Protein context (NP_001116241.1, residues 472-492): NEIDRELQDS[Arg482Gln]NLKYPVLPLL

ClinVar aggregate classification (germline): Conflicting classifications of pathogenicity. Review status: criteria provided, conflicting classifications (1 of 4 stars). 2 submissions from 2 submitters: Uncertain significance (1); Likely benign (1). Last evaluated 2022-05-10.

Allele frequency attached by ClinVar (database versions not stated): gnomAD 0.00001; gnomAD exomes 0.00001; TOPMed 0.00002.
gnomAD v4.1: 15 of 1,613,858 alleles (0.00093%); highest among the groups gnomAD compares: East Asian, 0.0045%; no homozygotes.

Submissions (2):

Labcorp Genetics (formerly Invitae), Labcorp
Classification: Uncertain significance. Last evaluated: 2022-05-10. Review status: criteria provided, single submitter. Criteria: Invitae Variant Classification Sherloc (09022015). Collection method: clinical testing. Allele origin: germline.
Comment: This sequence change replaces arginine, which is basic and polar, with glutamine, which is neutral and polar, at codon 482 of the LCA5 protein (p.Arg482Gln). This variant is present in population databases (no rsID available, gnomAD 0.007%). This variant has not been reported in the literature in individuals affected with LCA5-related conditions. Algorithms developed to predict the effect of missense changes on protein structure and function output the following: SIFT: "Tolerated"; PolyPhen-2: "Benign"; Align-GVGD: "Class C0". The glutamine amino acid residue is found in multiple mammalian species, which suggests that this missense change does not adversely affect protein function. In summary, the available evidence is currently insufficient to determine the role of this variant in disease. Therefore, it has been classified as a Variant of Uncertain Significance.

Blueprint Genetics
Classification: Likely benign. Last evaluated: 2020-03-20. Review status: criteria provided, single submitter. Criteria: ACMG Guidelines, 2015. Collection method: clinical testing. Allele origin: germline.